The following is an entry in ClinVar:

NM_001079802.2(FKTN):c.*2213A>G

Gene: FKTN (fukutin; plus strand). Cytogenetic location: 9q31.2.
Variant type: single nucleotide variant.
Coding change: c.*2213A>G on transcript NM_001079802.2 (MANE Select); 2213 bases downstream of the stop codon, A replaced by G.
Molecular consequence: 3 prime UTR variant. On other transcripts: non-coding transcript variant (2), intron variant (1).
Genome position (GRCh38, 1-based): chr9:105,637,477, A>G. VCF-style: chr9-105637477-A-G. GRCh37 (hg19) VCF-style: chr9-108399758-A-G.
Other names: c.*2213A>G (NM_001351496.2, NM_001351497.2, NM_001351499.2 and 4 more transcripts); c.*2391A>G (NM_001351498.2); c.1270+2329A>G (NM_001198963.2).
Identifiers: ClinVar variation 912585 (VCV000912585.28), dbSNP rs141298287, ClinGen allele CA15599652.

ClinVar aggregate classification (germline): Conflicting classifications of pathogenicity. Review status: criteria provided, conflicting classifications (1 of 4 stars). 3 submissions from 2 submitters: Uncertain significance (1); Likely benign (2). Last evaluated 2023-07-01.

Conditions:
Muscular dystrophy-dystroglycanopathy (congenital with brain and eye anomalies), type A, 4 (MDDGA4). Also called: Fukuyama congenital muscular dystrophy; Muscular dystrophy, congenital progressive, with mental retardation; Muscular dystrophy, congenital, with central nervous system involvement; Cerebromuscular dystrophy, Fukuyama type; Walker-Warburg Syndrome, Fktn-Related; WALKER-WARBURG SYNDROME OR MUSCLE-EYE-BRAIN DISEASE, FKTN-RELATED. Identifiers: Orphanet 272, Orphanet 588, Orphanet 899, MedGen C0410174, MONDO:0009678, OMIM 253800.
Dilated cardiomyopathy 1X (CMD1X). Also called: FKTN-Related Dilated Cardiomyopathy; CARDIOMYOPATHY, DILATED, WITH MILD OR NO PROXIMAL MUSCLE WEAKNESS. Identifiers: Orphanet 154, MedGen C1969024, MONDO:0012704, OMIM 611615.

Allele frequency attached by ClinVar (database versions not stated): gnomAD exomes 0.00518; 1000 Genomes Project 30x 0.00531; 1000 Genomes Project 0.00539; gnomAD 0.00653 and 0.00678; TOPMed 0.00665.

Submissions (3):

CeGaT Center for Human Genetics Tuebingen
Classification: Likely benign. Last evaluated: 2023-07-01. Review status: criteria provided, single submitter. Criteria: CeGaT Center For Human Genetics Tuebingen Variant Classification Criteria Version 2. Collection method: clinical testing. Allele origin: germline. Affected: yes. Observed: 8 variant alleles.
Comment: FKTN: BS2

Illumina Laboratory Services, Illumina
Classification: Likely benign for Muscular dystrophy-dystroglycanopathy (congenital with brain and eye anomalies), type A, 4. Last evaluated: 2018-01-13. Review status: criteria provided, single submitter. Criteria: ICSL Variant Classification Criteria 13 December 2019. Collection method: clinical testing. Allele origin: germline.
Comment: This variant was observed in the ICSL laboratory as part of a predisposition screen in an ostensibly healthy population. It had not been previously curated by ICSL or reported in the Human Gene Mutation Database (HGMD: prior to June 1st, 2018), and was therefore a candidate for classification through an automated scoring system. Utilizing variant allele frequency, disease prevalence and penetrance estimates, and inheritance mode, an automated score was calculated to assess if this variant is too frequent to cause the disease. Based on the score and internal cut-off values, a variant classified as likely benign is not then subjected to further curation. The score for this variant resulted in a classification of likely benign for this disease.

Illumina Laboratory Services, Illumina
Classification: Uncertain significance for Dilated cardiomyopathy 1X. Last evaluated: 2018-01-13. Review status: criteria provided, single submitter. Criteria: ICSL Variant Classification Criteria 13 December 2019. Collection method: clinical testing. Allele origin: germline.